The following is an entry in ClinVar:

ClinVar aggregate classification (germline): Uncertain significance (1 of 4 stars; one submission).

Allele frequency attached by ClinVar (database versions not stated): ExAC 0.00001; gnomAD exomes 0.00001.
gnomAD v4.1: 15 of 1,613,960 alleles (0.00093%); highest among the groups gnomAD compares: South Asian, 0.0066%; no homozygotes.

Submission:

Labcorp Genetics (formerly Invitae), Labcorp
Classification: Uncertain significance. Last evaluated: 2025-01-20. Review status: criteria provided, single submitter. Criteria: Invitae Variant Classification Sherloc (09022015). Collection method: clinical testing. Allele origin: germline.
Comment: This sequence change replaces threonine, which is neutral and polar, with isoleucine, which is neutral and non-polar, at codon 752 of the KIAA1549 protein (p.Thr752Ile). This variant is present in population databases (rs767309794, gnomAD 0.006%). This variant has not been reported in the literature in individuals affected with KIAA1549-related conditions. ClinVar contains an entry for this variant (Variation ID: 1418341). An algorithm developed to predict the effect of missense changes on protein structure and function (PolyPhen-2) suggests that this variant is likely to be disruptive. In summary, the available evidence is currently insufficient to determine the role of this variant in disease. Therefore, it has been classified as a Variant of Uncertain Significance.

NM_001164665.2(KIAA1549):c.2255C>T (p.Thr752Ile)

Gene: KIAA1549 (KIAA1549; minus strand). Cytogenetic location: 7q34.
Variant type: single nucleotide variant.
Coding change: c.2255C>T on transcript NM_001164665.2 (MANE Select); coding-DNA position 2255, C replaced by T.
Protein change: p.Thr752Ile; replaces threonine 752 with isoleucine.
Molecular consequence: missense variant.
Genome position (GRCh38, 1-based): chr7:138,917,371, G>A on the plus strand (C>T on the coding strand, the complement: KIAA1549 is on the minus strand). VCF-style: chr7-138917371-G-A. GRCh37 (hg19) VCF-style: chr7-138602117-G-A.
Other names: c.2255C>T, p.Thr752Ile (NM_020910.3); short protein forms T752I.
Identifiers: ClinVar variation 1418341 (VCV001418341.7), dbSNP rs767309794, ClinGen allele CA4506544.